The following is an entry in ClinVar:

NM_001042492.3(NF1):c.6303_6315dup (p.Val2106fs)

Gene: NF1 (neurofibromin 1; plus strand). Cytogenetic location: 17q11.2.
Variant type: Duplication.
Coding change: c.6303_6315dup on transcript NM_001042492.3 (MANE Select); coding-DNA positions 6303 to 6315, 13 bases duplicated (CTACCTCTTCCAC).
Protein change: p.Val2106fs; shifts the reading frame from valine 2106.
Molecular consequence: frameshift variant.
Genome position (GRCh38, 1-based): chr17:31,336,790-31,336,802, CTACCTCTTCCAC duplicated; duplicating any 13 consecutive bases within chr17:31,336,789-31,336,802 gives the same sequence; the c. name uses the placement nearest the transcript's 3' end. VCF-style (leftmost placement, unchanged base first): chr17-31336788-C-CCCTACCTCTTCCA. GRCh37 (hg19) VCF-style: chr17-29663806-C-CCCTACCTCTTCCA.
Other names: c.6240_6252dupCTACCTCTTCCAC (NM_000267.3); c.6240_6252dup, p.Val2085Leufs (NM_000267.4); short protein forms V2106fs, V2085fs.
Identifiers: ClinVar variation 1752387 (VCV001752387.2), dbSNP rs2508749199, ClinGen allele CA2580093290.

ClinVar aggregate classification (germline): Pathogenic (1 of 4 stars; one submission).

Conditions:
Cardiovascular phenotype. Identifiers: MedGen CN230736.
Hereditary cancer-predisposing syndrome. Also called: Hereditary Cancer Syndrome; Hereditary neoplastic syndrome; Neoplastic Syndromes, Hereditary; Tumor predisposition. Identifiers: Orphanet 140162, MedGen C0027672, MeSH D009386, MONDO:0015356.

Submission:

Ambry Genetics
Classification: Pathogenic for Cardiovascular phenotype; Hereditary cancer-predisposing syndrome. Last evaluated: 2018-02-14. Review status: criteria provided, single submitter. Criteria: Ambry Variant Classification Scheme 2023. Collection method: clinical testing. Allele origin: germline.
Comment: The c.6240_6252dup13 variant, located in coding exon 41 of the NF1 gene, results from a duplication of CTACCTCTTCCAC at nucleotide position 6240, causing a translational frameshift with a predicted alternate stop codon (p.V2085Lfs*18). This alteration is expected to result in loss of function by premature protein truncation or nonsense-mediated mRNA decay. As such, this alteration is interpreted as a disease-causing mutation.